The following is an entry in ClinVar:

NM_000059.4(BRCA2):c.2399_2412del (p.Gly800fs)

Gene: BRCA2 (BRCA2 DNA repair associated; plus strand). Cytogenetic location: 13q13.1.
Variant type: Deletion.
Coding change: c.2399_2412del on transcript NM_000059.4 (MANE Select); coding-DNA positions 2399 to 2412, 14 bases deleted (GTAACAATTATGAA).
Protein change: p.Gly800fs; shifts the reading frame from glycine 800.
Molecular consequence: frameshift variant.
Genome position (GRCh38, 1-based): chr13:32,336,754-32,336,767, GTAACAATTATGAA deleted. VCF-style (leftmost placement, unchanged base first): chr13-32336753-GGTAACAATTATGAA-G. GRCh37 (hg19) VCF-style: chr13-32910890-GGTAACAATTATGAA-G.
Other names: c.2399_2412delGTAACAATTATGAA, p.Gly800Valfs (NM_001406719.1, NM_001406720.1); c.2399_2412del14 (NM_000059.3); short protein forms G800fs.
Identifiers: ClinVar variation 1790655 (VCV001790655.2), dbSNP rs2548523780, ClinGen allele CA2580087266.

ClinVar aggregate classification (germline): Pathogenic (1 of 4 stars; one submission).

Conditions:
Hereditary cancer-predisposing syndrome. Also called: Hereditary Cancer Syndrome; Hereditary neoplastic syndrome; Tumor predisposition; Neoplastic Syndromes, Hereditary. Identifiers: Orphanet 140162, MedGen C0027672, MeSH D009386, MONDO:0015356.

Submission:

Ambry Genetics
Classification: Pathogenic for Hereditary cancer-predisposing syndrome. Last evaluated: 2020-05-26. Review status: criteria provided, single submitter. Criteria: Ambry Variant Classification Scheme 2023. Collection method: clinical testing. Allele origin: germline.
Comment: The c.2399_2412del14 pathogenic mutation, located in coding exon 10 of the BRCA2 gene, results from a deletion of 14 nucleotides at nucleotide positions 2399 to 2412, causing a translational frameshift with a predicted alternate stop codon (p.G800Vfs*2). This alteration is expected to result in loss of function by premature protein truncation or nonsense-mediated mRNA decay. As such, this alteration is interpreted as a disease-causing mutation.

Literature cited by the submitters: PubMed 32034076.